The following is an entry in ClinVar:

NM_138295.5(PKD1L1):c.707C>T (p.Pro236Leu)

Gene: PKD1L1 (polycystin 1 like 1, transient receptor potential channel interacting; minus strand). Cytogenetic location: 7p12.3.
Variant type: single nucleotide variant.
Coding change: c.707C>T on transcript NM_138295.5 (MANE Select); coding-DNA position 707, C replaced by T.
Protein change: p.Pro236Leu; replaces proline 236 with leucine.
Molecular consequence: missense variant.
Genome position (GRCh38, 1-based): chr7:47,931,134, G>A on the plus strand (C>T on the coding strand, the complement: PKD1L1 is on the minus strand). VCF-style: chr7-47931134-G-A. GRCh37 (hg19) VCF-style: chr7-47970731-G-A.
Other names: short protein forms P236L.
Identifiers: ClinVar variation 4708209 (VCV004708209.1).
Genomic context (GRCh38, chr7:47,931,134, plus strand): 5'-GTGCTGGCCTCCATACCTCCTTCACCGTACCTTCTGGGAGAAGTGGGAAAATGTGAAATC[G>A]GCCACAGGGGCACTCGCTGGGAGCTGGTCTGAGTGGGTCTGGCCACCTTGGTGGGGGTCT-3'
Protein context (NP_612152.1, residues 226-246): QTSSQRVPLW[Pro236Leu]ISHFPTSPRS

ClinVar aggregate classification (germline): Uncertain significance (1 of 4 stars; one submission).

gnomAD v4.1: 206 of 1,613,940 alleles (0.013%); highest among the groups gnomAD compares: East Asian, 0.011%; no homozygotes.

Submission:

Labcorp Genetics (formerly Invitae), Labcorp
Classification: Uncertain significance. Last evaluated: 2025-12-15. Review status: criteria provided, single submitter. Criteria: Invitae Variant Classification Sherloc (09022015). Collection method: clinical testing. Allele origin: germline.
Comment: This sequence change replaces proline, which is neutral and non-polar, with leucine, which is neutral and non-polar, at codon 236 of the PKD1L1 protein (p.Pro236Leu). This variant is present in population databases (rs201497400, gnomAD 0.2%). This variant has not been reported in the literature in individuals affected with PKD1L1-related conditions. An algorithm developed to predict the effect of missense changes on protein structure and function outputs the following: PolyPhen-2: "Benign". The leucine amino acid residue is found in multiple mammalian species, which suggests that this missense change does not adversely affect protein function. In summary, the available evidence is currently insufficient to determine the role of this variant in disease. Therefore, it has been classified as a Variant of Uncertain Significance.